The following is an entry in ClinVar:

ClinVar aggregate classification (germline): Uncertain significance. Review status: criteria provided, multiple submitters, no conflicts (2 of 4 stars). 2 submissions from 2 submitters: Uncertain significance (2). Last evaluated 2024-09-27.

Conditions:
Inborn genetic diseases. Identifiers: MedGen C0950123, MeSH D030342.
Ehlers-Danlos syndrome, dermatosparaxis type. Also called: EDS VIIC; Dermatosparaxis; Ehlers-Danlos syndrome, type VII, autosomal recessive. Identifiers: Orphanet 1901, MedGen C2700425, MONDO:0009161, OMIM 225410.

Allele frequency attached by ClinVar (database versions not stated): gnomAD exomes below 0.00001; ExAC 0.00001; TOPMed 0.00003; gnomAD 0.00005 and 0.00006.
gnomAD v4.1: 12 of 1,613,954 alleles (0.00074%); highest among the groups gnomAD compares: African/African-American, 0.012%; no homozygotes.

Submissions (2):

Ambry Genetics
Classification: Uncertain significance for Inborn genetic diseases. Last evaluated: 2024-09-27. Review status: criteria provided, single submitter. Criteria: Ambry Variant Classification Scheme 2023. Collection method: clinical testing. Allele origin: germline.

Labcorp Genetics (formerly Invitae), Labcorp
Classification: Uncertain significance for Ehlers-Danlos syndrome, dermatosparaxis type. Last evaluated: 2021-08-27. Review status: criteria provided, single submitter. Criteria: Invitae Variant Classification Sherloc (09022015). Collection method: clinical testing. Allele origin: germline.
Comment: This sequence change replaces serine with alanine at codon 853 of the ADAMTS2 protein (p.Ser853Ala). The serine residue is highly conserved and there is a moderate physicochemical difference between serine and alanine. This variant is present in population databases (rs762463826, ExAC 0.01%). This variant has not been reported in the literature in individuals affected with ADAMTS2-related conditions. Algorithms developed to predict the effect of missense changes on protein structure and function output the following: SIFT: "Tolerated"; PolyPhen-2: "Benign"; Align-GVGD: "Class C0". The alanine amino acid residue is found in multiple mammalian species, which suggests that this missense change does not adversely affect protein function. In summary, the available evidence is currently insufficient to determine the role of this variant in disease. Therefore, it has been classified as a Variant of Uncertain Significance.

NM_014244.5(ADAMTS2):c.2557T>G (p.Ser853Ala)

Gene: ADAMTS2 (ADAM metallopeptidase with thrombospondin type 1 motif 2; minus strand). Cytogenetic location: 5q35.3.
Variant type: single nucleotide variant.
Coding change: c.2557T>G on transcript NM_014244.5 (MANE Select); coding-DNA position 2557, T replaced by G.
Protein change: p.Ser853Ala; replaces serine 853 with alanine.
Molecular consequence: missense variant.
Genome position (GRCh38, 1-based): chr5:179,128,019, A>C on the plus strand (T>G on the coding strand, the complement: ADAMTS2 is on the minus strand). VCF-style: chr5-179128019-A-C. GRCh37 (hg19) VCF-style: chr5-178555020-A-C.
Other names: c.2557T>G (NM_014244.4); short protein forms S853A.
Identifiers: ClinVar variation 1371096 (VCV001371096.6), dbSNP rs762463826, ClinGen allele CA3595518.